The following is an entry in ClinVar:

ClinVar aggregate classification (germline): Uncertain significance (1 of 4 stars; one submission).

Allele frequency attached by ClinVar (database versions not stated): gnomAD 0.00007; TOPMed 0.00011; ExAC 0.00013; ESP Exome Variant Server 0.00017.
gnomAD v4.1: 212 of 1,554,722 alleles (0.014%); highest among the groups gnomAD compares: Admixed American, 0.018%; no homozygotes.

Submission:

Labcorp Genetics (formerly Invitae), Labcorp
Classification: Uncertain significance. Last evaluated: 2025-02-17. Review status: criteria provided, single submitter. Criteria: Invitae Variant Classification Sherloc (09022015). Collection method: clinical testing. Allele origin: germline.
Comment: This sequence change replaces alanine, which is neutral and non-polar, with aspartic acid, which is acidic and polar, at codon 1521 of the APC2 protein (p.Ala1521Asp). This variant is present in population databases (rs371978218, gnomAD 0.02%). This variant has not been reported in the literature in individuals affected with APC2-related conditions. ClinVar contains an entry for this variant (Variation ID: 2056819). Invitae Evidence Modeling of protein sequence and biophysical properties (such as structural, functional, and spatial information, amino acid conservation, physicochemical variation, residue mobility, and thermodynamic stability) indicates that this missense variant is not expected to disrupt APC2 protein function with a negative predictive value of 80%. In summary, the available evidence is currently insufficient to determine the role of this variant in disease. Therefore, it has been classified as a Variant of Uncertain Significance.

NM_005883.3(APC2):c.4562C>A (p.Ala1521Asp)

Gene: APC2 (APC regulator of Wnt signaling pathway 2; plus strand). Cytogenetic location: 19p13.3.
Variant type: single nucleotide variant.
Coding change: c.4562C>A on transcript NM_005883.3 (MANE Select); coding-DNA position 4562, C replaced by A.
Protein change: p.Ala1521Asp; replaces alanine 1521 with aspartic acid.
Molecular consequence: missense variant.
Genome position (GRCh38, 1-based): chr19:1,467,863, C>A. VCF-style: chr19-1467863-C-A. GRCh37 (hg19) VCF-style: chr19-1467862-C-A.
Other names: c.4559C>A, p.Ala1520Asp (NM_001351273.1); short protein forms A1520D, A1521D.
Identifiers: ClinVar variation 2056819 (VCV002056819.2), dbSNP rs371978218, ClinGen allele CA9045846.